The following is an entry in ClinVar:

NM_015910.7(WDPCP):c.1436-1G>C

Gene: WDPCP (WD repeat containing planar cell polarity effector; minus strand). Cytogenetic location: 2p15.
Variant type: single nucleotide variant.
Coding change: c.1436-1G>C on transcript NM_015910.7 (MANE Select); the canonical splice acceptor site of the intron before coding-DNA position 1436, G replaced by C.
Molecular consequence: splice acceptor variant.
Genome position (GRCh38, 1-based): chr2:63,382,095, C>G on the plus strand (G>C on the coding strand, the complement: WDPCP is on the minus strand). VCF-style: chr2-63382095-C-G. GRCh37 (hg19) VCF-style: chr2-63609230-C-G.
Other names: c.1364-1G>C (NM_001354044.2); c.959-1G>C (NM_001042692.3); c.1436-1G>C (NM_001354045.2).
Identifiers: ClinVar variation 1496757 (VCV001496757.6), dbSNP rs959923850, ClinGen allele CA347063727.

ClinVar aggregate classification (germline): Likely pathogenic (1 of 4 stars; one submission).

Conditions:
Bardet-Biedl syndrome (BBS). Identifiers: Orphanet 110, MedGen C0752166, MONDO:0015229.

Submission:

Labcorp Genetics (formerly Invitae), Labcorp
Classification: Likely pathogenic for Bardet-Biedl syndrome. Last evaluated: 2025-07-07. Review status: criteria provided, single submitter. Criteria: Invitae Variant Classification Sherloc (09022015). Collection method: clinical testing. Allele origin: germline.
Comment: This sequence change affects an acceptor splice site in intron 10 of the WDPCP gene. It is expected to disrupt RNA splicing. Variants that disrupt the donor or acceptor splice site typically lead to a loss of protein function (PMID: 16199547), and loss-of-function variants in WDPCP are known to be pathogenic (PMID: 20671153, 25427950, 27158779). This variant is not present in population databases (gnomAD no frequency). This variant has not been reported in the literature in individuals affected with WDPCP-related conditions. ClinVar contains an entry for this variant (Variation ID: 1496757). Algorithms developed to predict the effect of sequence changes on RNA splicing suggest that this variant may disrupt the consensus splice site. In summary, the currently available evidence indicates that the variant is pathogenic, but additional data are needed to prove that conclusively. Therefore, this variant has been classified as Likely Pathogenic.

Literature cited by the submitters: PubMed 16199547; PubMed 20671153; PubMed 25427950; PubMed 27158779.